The following is an entry in ClinVar:

ClinVar aggregate classification (germline): Conflicting classifications of pathogenicity. Review status: criteria provided, conflicting classifications (1 of 4 stars). 4 submissions from 4 submitters: Uncertain significance (1); Likely benign (3). Last evaluated 2026-01-25.

Conditions:
TULP1-related disorder. Also called: TULP1-related disorders; TULP1-related condition.

Allele frequency attached by ClinVar (database versions not stated): gnomAD exomes 0.00026; gnomAD 0.00090 and 0.00086; TOPMed 0.00090; 1000 Genomes Project 30x 0.00078; ExAC 0.00034; 1000 Genomes Project 0.00060; ESP Exome Variant Server 0.00062.

Submissions (4):

Labcorp Genetics (formerly Invitae), Labcorp
Classification: Likely benign. Last evaluated: 2026-01-25. Review status: criteria provided, single submitter. Criteria: Invitae Variant Classification Sherloc (09022015). Collection method: clinical testing. Allele origin: germline.

Blueprint Genetics
Classification: Likely benign. Last evaluated: 2024-11-08. Review status: criteria provided, single submitter. Criteria: ACMG Guidelines, 2015. Collection method: clinical testing. Allele origin: germline.

PreventionGenetics, part of Exact Sciences
Classification: Likely benign for TULP1-related condition. Last evaluated: 2024-10-07. Review status: criteria provided, single submitter. Criteria: ACMG Guidelines, 2015. Collection method: clinical testing. Allele origin: germline.
Comment: This variant is classified as likely benign based on ACMG/AMP sequence variant interpretation guidelines (Richards et al. 2015 PMID: 25741868, with internal and published modifications).

Eurofins Ntd Llc (ga)
Classification: Uncertain significance. Last evaluated: 2014-04-17. Review status: criteria provided, single submitter. Criteria: EGL Classification Definitions 2015. Collection method: clinical testing. Allele origin: germline. Observed: 1 variant allele, 1 heterozygote.

NM_003322.6(TULP1):c.366G>T (p.Glu122Asp)

Gene: TULP1 (TUB like protein 1; minus strand). Cytogenetic location: 6p21.31.
Variant type: single nucleotide variant.
Coding change: c.366G>T on transcript NM_003322.6 (MANE Select); coding-DNA position 366, G replaced by T.
Protein change: p.Glu122Asp; replaces glutamic acid 122 with aspartic acid.
Molecular consequence: missense variant.
Genome position (GRCh38, 1-based): chr6:35,510,994, C>A on the plus strand (G>T on the coding strand, the complement: TULP1 is on the minus strand). VCF-style: chr6-35510994-C-A. GRCh37 (hg19) VCF-style: chr6-35478771-C-A.
Other names: c.207G>T, p.Glu69Asp (NM_001289395.2); c.366G>T (NM_003322.5); short protein forms E122D, E69D.
Identifiers: ClinVar variation 167811 (VCV000167811.20), dbSNP rs113772629, ClinGen allele CA235186.
Genomic context (GRCh38, chr6:35,510,994, plus strand): 5'-AGGCAGAAGGATTTTCTCTTTCTTTTCCTCTGCCTCCTCTTCCTCGTCCTCCTCGTCCTC[C>A]TCTTCCTCCTCCTCCTCTGCAGGTAGAAACTCTTCATAATGGGGGTTTGAGCCGGGCCCT-3'
Protein context (NP_003313.3, residues 112-132): PDAEDEEEEE[Glu122Asp]EDEEDEEEEA